The following is an entry in ClinVar:

ClinVar aggregate classification (germline): Uncertain significance (1 of 4 stars; one submission).

Conditions:
Primary ciliary dyskinesia 30. Also called: CILIARY DYSKINESIA, PRIMARY, 30, WITH OR WITHOUT SITUS INVERSUS. Identifiers: Orphanet 244, MedGen C4015016, MONDO:0014465, OMIM 616037.

Allele frequency attached by ClinVar (database versions not stated): gnomAD exomes below 0.00001; gnomAD 0.00001; TOPMed 0.00001.
gnomAD v4.1: 9 of 1,613,352 alleles (0.00056%); highest among the groups gnomAD compares: East Asian, 0.016%; no homozygotes.

Submission:

Labcorp Genetics (formerly Invitae), Labcorp
Classification: Uncertain significance for Primary ciliary dyskinesia 30. Last evaluated: 2024-11-05. Review status: criteria provided, single submitter. Criteria: Invitae Variant Classification Sherloc (09022015). Collection method: clinical testing. Allele origin: germline.
Comment: This sequence change replaces aspartic acid, which is acidic and polar, with glycine, which is neutral and non-polar, at codon 555 of the CCDC151 protein (p.Asp555Gly). This variant is present in population databases (no rsID available, gnomAD 0.06%). This variant has not been reported in the literature in individuals affected with CCDC151-related conditions. ClinVar contains an entry for this variant (Variation ID: 1682756). An algorithm developed to predict the effect of missense changes on protein structure and function (PolyPhen-2) suggests that this variant is likely to be disruptive. In summary, the available evidence is currently insufficient to determine the role of this variant in disease. Therefore, it has been classified as a Variant of Uncertain Significance.

NM_145045.5(ODAD3):c.1664A>G (p.Asp555Gly)

Gene: ODAD3 (outer dynein arm docking complex subunit 3; minus strand). Cytogenetic location: 19p13.2.
Variant type: single nucleotide variant.
Coding change: c.1664A>G on transcript NM_145045.5 (MANE Select); coding-DNA position 1664, A replaced by G.
Protein change: p.Asp555Gly; replaces aspartic acid 555 with glycine.
Molecular consequence: missense variant.
Genome position (GRCh38, 1-based): chr19:11,421,139, T>C on the plus strand (A>G on the coding strand, the complement: ODAD3 is on the minus strand). VCF-style: chr19-11421139-T-C. GRCh37 (hg19) VCF-style: chr19-11531807-T-C.
Other names: c.1502A>G, p.Asp501Gly (NM_001302453.1); c.1484A>G, p.Asp495Gly (NM_001302454.2); short protein forms D495G, D501G, D555G.
Identifiers: ClinVar variation 1682756 (VCV001682756.6), dbSNP rs1381016785, ClinGen allele CA404118782.